The following is an entry in ClinVar:

NM_001378778.1(MPDZ):c.3893C>T (p.Pro1298Leu)

Gene: MPDZ (multiple PDZ domain crumbs cell polarity complex component; minus strand). Cytogenetic location: 9p23.
Variant type: single nucleotide variant.
Coding change: c.3893C>T on transcript NM_001378778.1 (MANE Select); coding-DNA position 3893, C replaced by T.
Protein change: p.Pro1298Leu; replaces proline 1298 with leucine.
Molecular consequence: missense variant.
Genome position (GRCh38, 1-based): chr9:13,140,097, G>A on the plus strand (C>T on the coding strand, the complement: MPDZ is on the minus strand). VCF-style: chr9-13140097-G-A. GRCh37 (hg19) VCF-style: chr9-13140096-G-A.
Other names: c.3794C>T, p.Pro1265Leu (NM_001261406.2, NM_001261407.2, NM_001375416.1 and 3 more transcripts); c.3893C>T, p.Pro1298Leu (NM_001330637.2, NM_001375413.1, NM_003829.5); c.3683C>T, p.Pro1228Leu (NM_001375420.1, NM_001375421.1, NM_001375422.1 and 4 more transcripts); c.3485C>T, p.Pro1162Leu (NM_001375427.1); short protein forms P1298L, P1265L, P1162L, P1228L.
Identifiers: ClinVar variation 211513 (VCV000211513.19), dbSNP rs76115127, ClinGen allele CA208129.

ClinVar aggregate classification (germline): Benign. Review status: criteria provided, multiple submitters, no conflicts (2 of 4 stars). 4 submissions from 4 submitters: Benign (3). 1 of the submissions does not count toward it. Last evaluated 2026-01-28.

Conditions:
MPDZ-related disorder. Also called: MPDZ-related condition.

Allele frequency attached by ClinVar (database versions not stated): gnomAD exomes 0.00149 and 0.00366; ExAC 0.00453; 1000 Genomes Project 0.01458; gnomAD 0.01567 and 0.01687; ESP Exome Variant Server 0.01595; 1000 Genomes Project 30x 0.01608; TOPMed 0.01677.
gnomAD v4.1: 4,606 of 1,613,254 alleles (0.29%); highest among the groups gnomAD compares: African/African-American, 5.5%; 143 homozygotes.

Submissions (4):

Labcorp Genetics (formerly Invitae), Labcorp
Classification: Benign. Last evaluated: 2026-01-28. Review status: criteria provided, single submitter. Criteria: Invitae Variant Classification Sherloc (09022015). Collection method: clinical testing. Allele origin: germline.

Genetic Services Laboratory, University of Chicago
Classification: Benign. Last evaluated: 2013-04-08. Review status: criteria provided, single submitter. Criteria: ACMG Guidelines, 2007. Collection method: clinical testing. Allele origin: germline.

Breakthrough Genomics
Classification: Benign. Review status: criteria provided, single submitter. Criteria: ACMG Guidelines, 2015. Collection method: not provided. Allele origin: germline. Inheritance: Autosomal recessive inheritance. Affected: yes.

PreventionGenetics, part of Exact Sciences
Classification: Benign for MPDZ-related condition. Last evaluated: 2019-09-06. Review status: no assertion criteria provided. Collection method: clinical testing. Allele origin: germline. Not counted in ClinVar's aggregate classification.
Comment: This variant is classified as benign based on ACMG/AMP sequence variant interpretation guidelines (Richards et al. 2015 PMID: 25741868, with internal and published modifications).